The following is an entry in ClinVar:

NM_022124.6(CDH23):c.2289+240T>C

Gene: CDH23 (cadherin related 23; plus strand). Cytogenetic location: 10q22.1.
Variant type: single nucleotide variant.
Coding change: c.2289+240T>C on transcript NM_022124.6 (MANE Select); 240 bases into the intron after coding-DNA position 2289, T replaced by C.
Molecular consequence: intron variant.
Genome position (GRCh38, 1-based): chr10:71,694,499, T>C. VCF-style: chr10-71694499-T-C. GRCh37 (hg19) VCF-style: chr10-73454256-T-C.
Other names: c.2289+240T>C (NM_001171930.2, NM_001171931.2).
Identifiers: ClinVar variation 678770 (VCV000678770.11), dbSNP rs1227077, ClinGen allele CA16394095.
Genomic context (GRCh38, chr10:71,694,499, plus strand): 5'-GAAGAAAGGCATCACCACCAGGAATGTAGGGGCACTTGGGAGGAGCAAAATGAAATACTT[T>C]CTCTCCTGCCCCTAAAAATCCAGGAGGGCAGGTGGCAGAAGGCATGAGCCCCATAGGCCC-3'

ClinVar aggregate classification (germline): Benign. Review status: criteria provided, multiple submitters, no conflicts (2 of 4 stars). 2 submissions from 2 submitters: Benign (2). Last evaluated 2024-05-06.

Allele frequency attached by ClinVar (database versions not stated): TOPMed 0.88389; gnomAD 0.88866 and 0.89251; 1000 Genomes Project 30x 0.90162; 1000 Genomes Project 0.90695.
gnomAD v4.1: 135,689 of 152,096 alleles (89%); highest among the groups gnomAD compares: East Asian, 100%; 60,674 homozygotes.

Submissions (2):

Labcorp Genetics (formerly Invitae), Labcorp
Classification: Benign. Last evaluated: 2024-05-06. Review status: criteria provided, single submitter. Criteria: Invitae Variant Classification Sherloc (09022015). Collection method: clinical testing. Allele origin: germline.

GeneDx
Classification: Benign. Last evaluated: 2018-06-14. Review status: criteria provided, single submitter. Criteria: GeneDx Variant Classification (06012015). Collection method: clinical testing. Allele origin: germline. Affected: yes.
Comment: This variant is considered likely benign or benign based on one or more of the following criteria: it is a conservative change, it occurs at a poorly conserved position in the protein, it is predicted to be benign by multiple in silico algorithms, and/or has population frequency not consistent with disease.